The following is an entry in ClinVar:

ClinVar aggregate classification (germline): Pathogenic (1 of 4 stars; one submission).

Conditions:
Hereditary breast ovarian cancer syndrome. Also called: Breast and ovarian cancer; BRCA1- and BRCA2-Associated Hereditary Breast and Ovarian Cancer; Hereditary breast and ovarian cancer syndrome; Hereditary breast and/or ovarian cancer syndrome; Hereditary breast and ovarian cancer; Hereditary breast and ovarian cancer syndrome (HBOC). Identifiers: Orphanet 145, MedGen C0677776, MeSH D061325, MONDO:0003582. Disease mechanism: loss of function.

Submission:

Labcorp Genetics (formerly Invitae), Labcorp
Classification: Pathogenic for Hereditary breast ovarian cancer syndrome. Last evaluated: 2020-06-08. Review status: criteria provided, single submitter. Criteria: Invitae Variant Classification Sherloc (09022015). Collection method: clinical testing. Allele origin: germline.
Comment: This sequence change creates a premature translational stop signal (p.Asn588*) in the BRCA2 gene. It is expected to result in an absent or disrupted protein product. This variant is not present in population databases (ExAC no frequency). This variant has not been reported in the literature in individuals with BRCA2-related conditions. Loss-of-function variants in BRCA2 are known to be pathogenic (PMID: 20104584). For these reasons, this variant has been classified as Pathogenic.

Literature cited by the submitters: PubMed 20104584.

NM_000059.4(BRCA2):c.1761_1762insTA (p.Asn588Ter)

Gene: BRCA2 (BRCA2 DNA repair associated; plus strand). Cytogenetic location: 13q13.1.
Variant type: Insertion.
Coding change: c.1761_1762insTA on transcript NM_000059.4 (MANE Select); coding-DNA positions 1761 to 1762, TA inserted.
Protein change: p.Asn588Ter; replaces asparagine 588 with a stop codon.
Molecular consequence: nonsense.
Genome position: GRCh38 VCF-style: chr13-32333238-C-CAT. GRCh37 (hg19) VCF-style: chr13-32907375-C-CAT.
Other names: short protein forms N588*.
Identifiers: ClinVar variation 1068843 (VCV001068843.7), dbSNP rs2137474607, ClinGen allele CA2499222085.